The following is an entry in ClinVar:

NM_000057.4(BLM):c.1349T>C (p.Met450Thr)

Gene: BLM (BLM RecQ like helicase; plus strand). Cytogenetic location: 15q26.1.
Variant type: single nucleotide variant.
Coding change: c.1349T>C on transcript NM_000057.4 (MANE Select); coding-DNA position 1349, T replaced by C.
Protein change: p.Met450Thr; replaces methionine 450 with threonine.
Molecular consequence: missense variant.
Genome position (GRCh38, 1-based): chr15:90,760,722, T>C. VCF-style: chr15-90760722-T-C. GRCh37 (hg19) VCF-style: chr15-91303952-T-C.
Other names: c.1349T>C, p.Met450Thr (NM_001287246.2, NM_001287247.2); c.224T>C, p.Met75Thr (NM_001287248.2); short protein forms M75T, M450T.
Identifiers: ClinVar variation 1445602 (VCV001445602.6), dbSNP rs2151158079, ClinGen allele CA393842867.

ClinVar aggregate classification (germline): Uncertain significance (1 of 4 stars; one submission).

Conditions:
Bloom syndrome (BLM). Also called: Bloom-Torre-Machacek syndrome. Identifiers: Orphanet 125, MedGen C0005859, MONDO:0008876, OMIM 210900.

Submission:

Labcorp Genetics (formerly Invitae), Labcorp
Classification: Uncertain significance for Bloom syndrome. Last evaluated: 2025-05-27. Review status: criteria provided, single submitter. Criteria: Invitae Variant Classification Sherloc (09022015). Collection method: clinical testing. Allele origin: germline.
Comment: This sequence change replaces methionine, which is neutral and non-polar, with threonine, which is neutral and polar, at codon 450 of the BLM protein (p.Met450Thr). This variant is not present in population databases (gnomAD no frequency). This variant has not been reported in the literature in individuals affected with BLM-related conditions. ClinVar contains an entry for this variant (Variation ID: 1445602). Invitae Evidence Modeling of protein sequence and biophysical properties (such as structural, functional, and spatial information, amino acid conservation, physicochemical variation, residue mobility, and thermodynamic stability) indicates that this missense variant is not expected to disrupt BLM protein function with a negative predictive value of 80%. In summary, the available evidence is currently insufficient to determine the role of this variant in disease. Therefore, it has been classified as a Variant of Uncertain Significance.